The following is an entry in ClinVar:

ClinVar aggregate classification (germline): Uncertain significance (1 of 4 stars; one submission).

gnomAD v4.1: 1 of 1,611,116 alleles (0.000062%); highest among the groups gnomAD compares: Non-Finnish European, 0.000085%; no homozygotes.

Submission:

Ambry Genetics
Classification: Uncertain significance. Last evaluated: 2024-12-15. Review status: criteria provided, single submitter. Criteria: Ambry Variant Classification Scheme 2023. Collection method: clinical testing. Allele origin: germline.
Comment: The p.G166R variant (also known as c.496G>A), located in coding exon 1 of the WNK2 gene, results from a G to A substitution at nucleotide position 496. The glycine at codon 166 is replaced by arginine, an amino acid with dissimilar properties. This amino acid position is conserved. In addition, this alteration is predicted to be tolerated by in silico analysis. Based on the available evidence, the clinical significance of this variant remains unclear.

NM_006648.4(WNK2):c.496G>A (p.Gly166Arg)

Gene: WNK2 (WNK lysine deficient protein kinase 2; plus strand). Cytogenetic location: 9q22.31.
Variant type: single nucleotide variant.
Coding change: c.496G>A on transcript NM_006648.4 (MANE Select); coding-DNA position 496, G replaced by A.
Protein change: p.Gly166Arg; replaces glycine 166 with arginine.
Molecular consequence: missense variant.
Genome position (GRCh38, 1-based): chr9:93,185,425, G>A. VCF-style: chr9-93185425-G-A. GRCh37 (hg19) VCF-style: chr9-95947707-G-A.
Other names: c.496G>A, p.Gly166Arg (NM_001282394.3); short protein forms G166R.
Identifiers: ClinVar variation 3816485 (VCV003816485.1).
Genomic context (GRCh38, chr9:93,185,425, plus strand): 5'-GAGGCGGCGGCGACCGTGAGGAAGGAGGATGAGGGGGCGGCCGAGGCGAAGCCTGAGCCC[G>A]GGCGCACTCGCCGGGACGAGCCCGAAGAGGAGGAGGACGACGAGGACGACCTCAAGGCCG-3'
Protein context (NP_006639.3, residues 156-176): EGAAEAKPEP[Gly166Arg]RTRRDEPEEE